The following is an entry in ClinVar:

NM_012281.3(KCND2):c.535C>T (p.His179Tyr)

Gene: KCND2 (potassium voltage-gated channel subfamily D member 2; plus strand). Cytogenetic location: 7q31.31.
Variant type: single nucleotide variant.
Coding change: c.535C>T on transcript NM_012281.3 (MANE Select); coding-DNA position 535, C replaced by T.
Protein change: p.His179Tyr; replaces histidine 179 with tyrosine.
Molecular consequence: missense variant.
Genome position (GRCh38, 1-based): chr7:120,275,167, C>T. VCF-style: chr7-120275167-C-T. GRCh37 (hg19) VCF-style: chr7-119915221-C-T.
Other names: short protein forms H179Y.
Identifiers: ClinVar variation 4070795 (VCV004070795.1).
Genomic context (GRCh38, chr7:120,275,167, plus strand): 5'-GAGAGCGCCTTGCCCACCATGACTGCAAGGCAGAGGGTCTGGAGGGCCTTCGAGAACCCC[C>T]ACACCAGCACGATGGCCCTGGTGTTCTACTATGTCACGGGGTTTTTCATTGCCGTCTCTG-3'
Protein context (NP_036413.1, residues 169-189): QRVWRAFENP[His179Tyr]TSTMALVFYY

ClinVar aggregate classification (germline): Uncertain significance (1 of 4 stars; one submission).

Submission:

GeneDx
Classification: Uncertain significance. Last evaluated: 2025-01-15. Review status: criteria provided, single submitter. Criteria: GeneDx Variant Classification Process June 2021. Collection method: clinical testing. Allele origin: germline. Affected: yes.
Comment: Not observed at significant frequency in large population cohorts (gnomAD); In silico analysis supports that this missense variant has a deleterious effect on protein structure/function; Has not been previously published as pathogenic or benign to our knowledge